The following is an entry in ClinVar:

ClinVar aggregate classification (germline): Uncertain significance (1 of 4 stars; one submission).

gnomAD v4.1: 1 of 1,607,698 alleles (0.000062%); highest among the groups gnomAD compares: Admixed American, 0.0017%; no homozygotes.

Submission:

Ambry Genetics
Classification: Uncertain significance. Last evaluated: 2022-07-08. Review status: criteria provided, single submitter. Criteria: Ambry Variant Classification Scheme 2023. Collection method: clinical testing. Allele origin: germline.
Comment: The p.L2542I variant (also known as c.7624C>A), located in coding exon 29 of the POLQ gene, results from a C to A substitution at nucleotide position 7624. The leucine at codon 2542 is replaced by isoleucine, an amino acid with highly similar properties. This amino acid position is conserved. In addition, the in silico prediction for this alteration is inconclusive. Since supporting evidence is limited at this time, the clinical significance of this alteration remains unclear.

NM_199420.4(POLQ):c.7624C>A (p.Leu2542Ile)

Gene: POLQ (DNA polymerase theta; minus strand). Cytogenetic location: 3q13.33.
Variant type: single nucleotide variant.
Coding change: c.7624C>A on transcript NM_199420.4 (MANE Select); coding-DNA position 7624, C replaced by A.
Protein change: p.Leu2542Ile; replaces leucine 2542 with isoleucine.
Molecular consequence: missense variant.
Genome position (GRCh38, 1-based): chr3:121,432,953, G>T on the plus strand (C>A on the coding strand, the complement: POLQ is on the minus strand). VCF-style: chr3-121432953-G-T. GRCh37 (hg19) VCF-style: chr3-121151800-G-T.
Other names: short protein forms L2542I.
Identifiers: ClinVar variation 1759856 (VCV001759856.2), dbSNP rs1442530873, ClinGen allele CA354093643.